The following is an entry in ClinVar:

NM_007194.4(CHEK2):c.942G>A (p.Val314=)

Gene: CHEK2 (checkpoint kinase 2; minus strand). Cytogenetic location: 22q12.1.
Variant type: single nucleotide variant.
Coding change: c.942G>A on transcript NM_007194.4 (MANE Select); coding-DNA position 942, G replaced by A.
Protein change: p.Val314=; no amino-acid change (valine 314 retained).
Molecular consequence: synonymous variant.
Genome position (GRCh38, 1-based): chr22:28,699,904, C>T on the plus strand (G>A on the coding strand, the complement: CHEK2 is on the minus strand). VCF-style: chr22-28699904-C-T. GRCh37 (hg19) VCF-style: chr22-29095892-C-T.
Other names: c.1071G>A, p.Val357= (NM_001005735.3); c.279G>A, p.Val93= (NM_001257387.3); c.741G>A, p.Val247= (NM_001349956.3); c.942G>A, p.Val314= (NM_145862.3).
Identifiers: ClinVar variation 379019 (VCV000379019.9), dbSNP rs1057520467, ClinGen allele CA16608635.

ClinVar aggregate classification (germline): Benign/Likely benign. Review status: criteria provided, multiple submitters, no conflicts (2 of 4 stars). 4 submissions from 4 submitters: Benign (1); Likely benign (3). Last evaluated 2024-10-04.

Conditions:
Hereditary cancer-predisposing syndrome. Also called: Tumor predisposition; Hereditary neoplastic syndrome; Neoplastic Syndromes, Hereditary; Hereditary Cancer Syndrome. Identifiers: Orphanet 140162, MedGen C0027672, MeSH D009386, MONDO:0015356.
Familial cancer of breast. Also called: hereditary breast carcinoma; Hereditary breast cancer; BREAST CANCER, FAMILIAL. Identifiers: Orphanet 227535, MedGen C0346153, MONDO:0016419, OMIM 114480. Disease mechanism: loss of function.

Allele frequency attached by ClinVar (database versions not stated): gnomAD exomes below 0.00001.
gnomAD v4.1: 1 of 1,614,052 alleles (0.000062%); highest among the groups gnomAD compares: Non-Finnish European, 0.000085%; no homozygotes.

Submissions (4):

Myriad Genetics, Inc.
Classification: Benign for Familial cancer of breast. Last evaluated: 2024-10-04. Review status: criteria provided, single submitter. Criteria: Myriad Autosomal Dominant, Autosomal Recessive and X-Linked Classification Criteria (2023). Collection method: clinical testing. Allele origin: unknown.
Comment: This variant is considered benign. This variant is a silent/synonymous amino acid change and it is not expected to impact splicing.

Labcorp Genetics (formerly Invitae), Labcorp
Classification: Likely benign for Familial cancer of breast. Last evaluated: 2022-03-17. Review status: criteria provided, single submitter. Criteria: Invitae Variant Classification Sherloc (09022015). Collection method: clinical testing. Allele origin: germline.

Ambry Genetics
Classification: Likely benign for Hereditary cancer-predisposing syndrome. Last evaluated: 2021-04-26. Review status: criteria provided, single submitter. Criteria: Ambry Variant Classification Scheme 2023. Collection method: clinical testing. Allele origin: germline.

GeneDx
Classification: Likely benign. Last evaluated: 2016-01-05. Review status: criteria provided, single submitter. Criteria: GeneDx Variant Classification (06012015). Collection method: clinical testing. Allele origin: germline. Affected: yes.
Comment: This variant is considered likely benign or benign based on one or more of the following criteria: it is a conservative change, it occurs at a poorly conserved position in the protein, it is predicted to be benign by multiple in silico algorithms, and/or has population frequency not consistent with disease.